The following is an entry in ClinVar:

NM_000143.4(FH):c.809_810del (p.Ile269_Tyr270insTer)

Gene: FH (fumarate hydratase; minus strand). Cytogenetic location: 1q43.
Variant type: Deletion.
Coding change: c.809_810del on transcript NM_000143.4 (MANE Select); coding-DNA positions 809 to 810, 2 bases deleted (AT; older notation c.809_810delAT).
Protein change: p.Ile269_Tyr270insTer.
Molecular consequence: nonsense.
Genome position (GRCh38, 1-based): chr1:241,506,097-241,506,098, AT deleted on the plus strand (AT on the coding strand, the reverse complement: FH is on the minus strand); deleting any 2 consecutive bases within chr1:241,506,097-241,506,099 gives the same sequence; the c. name uses the placement nearest the transcript's 3' end. VCF-style (leftmost placement, unchanged base first): chr1-241506096-CAT-C. GRCh37 (hg19) VCF-style: chr1-241669396-CAT-C.
Other names: c.809_810delAT (NM_000143.3).
Identifiers: ClinVar variation 450623 (VCV000450623.6), dbSNP rs1553341163, ClinGen allele CA658657000.
Genomic context (GRCh38, chr1:241,506,096, plus strand): 5'-CTGCAAAGCCAATTCTAGTATTTAAACCTGTACCAACAGCAGTGCCTCCAGCTGCGAGCT[CAT>C]AGATTCTTGGCATGGCAGCTTTTATTCTTGTCATTGCATATTTTACTTGTTGAACATAAC-3'

ClinVar aggregate classification (germline): Pathogenic/Likely pathogenic. Review status: criteria provided, multiple submitters, no conflicts (2 of 4 stars). 3 submissions from 3 submitters: Pathogenic (2); Likely pathogenic (1). Last evaluated 2023-08-24.

Conditions:
Hereditary leiomyomatosis and renal cell cancer. Also called: Familial leiomyomatosis; MULTIPLE CUTANEOUS AND UTERINE LEIOMYOMATA 1, WITH OR WITHOUT RENAL CELL CARCINOMA; Multiple cutaneous leiomyomas; Reed syndrome; Multiple cutaneous and uterine leiomyomatosis; Cutaneous leiomyomata with uterine leiomyomata. Identifiers: Orphanet 523, MedGen C1708350, MONDO:0007888, OMIM 150800, HP:0007437. Disease mechanism: loss of function.

Submissions (3):

Labcorp Genetics (formerly Invitae), Labcorp
Classification: Pathogenic. Last evaluated: 2023-08-24. Review status: criteria provided, single submitter. Criteria: Invitae Variant Classification Sherloc (09022015). Collection method: clinical testing. Allele origin: germline.
Comment: For these reasons, this variant has been classified as Pathogenic. ClinVar contains an entry for this variant (Variation ID: 450623). This variant has not been reported in the literature in individuals affected with FH-related conditions. This variant is not present in population databases (gnomAD no frequency). This sequence change creates a premature translational stop signal (p.Tyr270*) in the FH gene. It is expected to result in an absent or disrupted protein product. Loss-of-function variants in FH are known to be pathogenic (PMID: 11865300, 21398687).

Myriad Genetics, Inc.
Classification: Pathogenic for Hereditary leiomyomatosis and renal cell cancer. Last evaluated: 2023-01-18. Review status: criteria provided, single submitter. Criteria: Myriad Autosomal Dominant, Autosomal Recessive and X-Linked Classification Criteria (2023). Collection method: clinical testing. Allele origin: unknown.
Comment: This variant is considered pathogenic. This variant creates a termination codon and is predicted to result in premature protein truncation.

GeneDx
Classification: Likely pathogenic. Last evaluated: 2017-07-12. Review status: criteria provided, single submitter. Criteria: GeneDx Variant Classification (06012015). Collection method: clinical testing. Allele origin: germline. Affected: yes.
Comment: The Y270X nonsense variant in the FH gene has not been published as a pathogenic variant, nor has it been reported as a benign variant to our knowledge. This variant is predicted to cause loss of normal protein function either through protein truncation or nonsense-mediated mRNA decay. The Y270X variant is not observed in large population cohorts (Lek et al., 2016; 1000 Genomes Consortium et al., 2015; Exome Variant Server). Based on currently available evidence, Y270X is a strong candidate for a pathogenic variant. However, the possibility it could be a rare benign variant cannot be excluded.

Literature cited by the submitters: PubMed 11865300 (cited by Labcorp Genetics (formerly Invitae), Labcorp); PubMed 21398687 (cited by Labcorp Genetics (formerly Invitae), Labcorp).